The following is an entry in ClinVar:

NM_001005373.4(LRSAM1):c.428_435dup (p.Val146fs)

Gene: LRSAM1 (leucine rich repeat and sterile alpha motif containing 1; plus strand). Cytogenetic location: 9q33.3.
Variant type: Duplication.
Coding change: c.428_435dup on transcript NM_001005373.4 (MANE Select); coding-DNA positions 428 to 435, 8 bases duplicated (CAGACACC; older notation c.428_435dupCAGACACC).
Protein change: p.Val146fs; shifts the reading frame from valine 146.
Molecular consequence: frameshift variant. On other transcripts: 5 prime UTR variant (1), non-coding transcript variant (2).
Genome position (GRCh38, 1-based): chr9:127,462,273-127,462,280, CAGACACC duplicated; duplicating any 8 consecutive bases within chr9:127,462,272-127,462,280 gives the same sequence; the c. name uses the placement nearest the transcript's 3' end. VCF-style (leftmost placement, unchanged base first): chr9-127462271-T-TCCAGACAC. GRCh37 (hg19) VCF-style: chr9-130224550-T-TCCAGACAC.
Other names: c.428_435dup, p.Val146fs (NM_001005374.4, NM_001190723.3, NM_001384142.1 and 2 more transcripts); c.-357_-350dup (NM_001384144.1); short protein forms V146fs.
Identifiers: ClinVar variation 2706775 (VCV002706775.3), dbSNP rs2539328377, ClinGen allele CA2697558055.
Genomic context (GRCh38, chr9:127,462,271, plus strand): 5'-GGGATTTGGGGTGTTGAGCTGTGCTATTGGGGTCTCTGCAGACAACAAGCTGAAGGAGCT[T>TCCAGACAC]CCAGACACCGTGGGGGAGCTTCGAAGCCTGCGTACCCTCAACATCAGTGGAAACGAGATC-3'

ClinVar aggregate classification (germline): Pathogenic (1 of 4 stars; one submission).

Conditions:
Charcot-Marie-Tooth disease axonal type 2P. Also called: CHARCOT-MARIE-TOOTH NEUROPATHY, TYPE 2P; Charcot-Marie-Tooth Neuropathy Type 2G; CHARCOT-MARIE-TOOTH DISEASE, AXONAL, TYPE 2G; CMT 2G. Identifiers: Orphanet 300319, Orphanet 99941, MedGen C3280797, MONDO:0013753, OMIM 614436.

Submission:

Labcorp Genetics (formerly Invitae), Labcorp
Classification: Pathogenic for Charcot-Marie-Tooth disease axonal type 2P. Last evaluated: 2023-12-31. Review status: criteria provided, single submitter. Criteria: Invitae Variant Classification Sherloc (09022015). Collection method: clinical testing. Allele origin: germline.
Comment: This sequence change creates a premature translational stop signal (p.Val146Glnfs*36) in the LRSAM1 gene. It is expected to result in an absent or disrupted protein product. Loss-of-function variants in LRSAM1 are known to be pathogenic (PMID: 20865121, 33414056). This variant is not present in population databases (gnomAD no frequency). This variant has not been reported in the literature in individuals affected with LRSAM1-related conditions. For these reasons, this variant has been classified as Pathogenic.

Literature cited by the submitters: PubMed 20865121; PubMed 33414056.